The following is an entry in ClinVar:

ClinVar aggregate classification (germline): Likely pathogenic (1 of 4 stars; one submission).

Conditions:
Ehlers-Danlos syndrome, classic type, 1 (EDSCL1). Also called: EHLERS-DANLOS SYNDROME, GRAVIS TYPE; EHLERS-DANLOS SYNDROME, SEVERE CLASSIC TYPE; Ehlers-Danlos syndrome, type 1; Ehlers-Danlos Syndrome, Classic Type, COL5A1-Related; EDS I. Identifiers: MedGen C0268335, MONDO:0019567, OMIM 130000.

Submission:

Labcorp Genetics (formerly Invitae), Labcorp
Classification: Likely pathogenic for Ehlers-Danlos syndrome, classic type, 1. Last evaluated: 2018-05-30. Review status: criteria provided, single submitter. Criteria: Invitae Variant Classification Sherloc (09022015). Collection method: clinical testing. Allele origin: unknown.
Comment: This variant is a gross deletion of the genomic region encompassing part of exon 5 (c.655-1917_690del) of the COL5A1 gene. It is expected to disrupt RNA splicing and likely results in an absent or disrupted protein product. This variant has not been reported in the literature in individuals with COL5A1-related disease. In summary, the currently available evidence indicates that the variant is pathogenic, but additional data are needed to prove that conclusively. Therefore, this variant has been classified as Likely Pathogenic. Loss-of-function variants in COL5A1 are known to be pathogenic (PMID:¬†23587214).

NC_000009.11:g.(?_137617195)_(137619147_?)del

Gene: COL5A1 (collagen type V alpha 1 chain; plus strand). Cytogenetic location: 9q34.3.
Variant type: Deletion.
Identifiers: ClinVar variation 3245114 (VCV003245114.1).